The following is an entry in ClinVar:

ClinVar aggregate classification (germline): Uncertain significance. Review status: criteria provided, multiple submitters, no conflicts (2 of 4 stars). 2 submissions from 2 submitters: Uncertain significance (2). Last evaluated 2024-07-27.

Conditions:
Charcot-Marie-Tooth disease axonal type 2P. Also called: CHARCOT-MARIE-TOOTH NEUROPATHY, TYPE 2P; Charcot-Marie-Tooth Neuropathy Type 2G; CHARCOT-MARIE-TOOTH DISEASE, AXONAL, TYPE 2G; CMT 2G. Identifiers: Orphanet 300319, Orphanet 99941, MedGen C3280797, MONDO:0013753, OMIM 614436.

Allele frequency attached by ClinVar (database versions not stated): gnomAD exomes 0.00001; TOPMed 0.00002; gnomAD 0.00003; ExAC 0.00004; ESP Exome Variant Server 0.00008.
gnomAD v4.1: 17 of 1,584,966 alleles (0.0011%); highest among the groups gnomAD compares: African/African-American, 0.02%; no homozygotes.

Submissions (2):

GeneDx
Classification: Uncertain significance. Last evaluated: 2024-07-27. Review status: criteria provided, single submitter. Criteria: GeneDx Variant Classification Process June 2021. Collection method: clinical testing. Allele origin: germline. Affected: yes.
Comment: Has not been previously published as pathogenic or benign to our knowledge; In silico analysis is inconclusive as to whether the variant alters gene splicing. In the absence of RNA/functional studies, the actual effect of this sequence change is unknown.

Labcorp Genetics (formerly Invitae), Labcorp
Classification: Uncertain significance for Charcot-Marie-Tooth disease axonal type 2P. Last evaluated: 2024-07-02. Review status: criteria provided, single submitter. Criteria: Invitae Variant Classification Sherloc (09022015). Collection method: clinical testing. Allele origin: germline.
Comment: This sequence change affects codon 206 of the LRSAM1 mRNA. It is a 'silent' change, meaning that it does not change the encoded amino acid sequence of the LRSAM1 protein. It affects a nucleotide within the consensus splice site. The frequency data for this variant in the population databases is considered unreliable, as metrics indicate poor data quality at this position in the gnomAD database. This variant has not been reported in the literature in individuals affected with LRSAM1-related conditions. Algorithms developed to predict the effect of sequence changes on RNA splicing suggest that this variant may disrupt the consensus splice site. In summary, the available evidence is currently insufficient to determine the role of this variant in disease. Therefore, it has been classified as a Variant of Uncertain Significance.

NM_001005373.4(LRSAM1):c.618A>G (p.Lys206=)

Gene: LRSAM1 (leucine rich repeat and sterile alpha motif containing 1; plus strand). Cytogenetic location: 9q33.3.
Variant type: single nucleotide variant.
Coding change: c.618A>G on transcript NM_001005373.4 (MANE Select); coding-DNA position 618, A replaced by G.
Protein change: p.Lys206=; no amino-acid change (lysine 206 retained).
Molecular consequence: synonymous variant. On other transcripts: 5 prime UTR variant (1), non-coding transcript variant (2).
Genome position (GRCh38, 1-based): chr9:127,467,829, A>G. VCF-style: chr9-127467829-A-G. GRCh37 (hg19) VCF-style: chr9-130230108-A-G.
Other names: c.618A>G, p.Lys206= (NM_001005374.4, NM_001190723.3, NM_001384142.1 and 2 more transcripts); c.-167A>G (NM_001384144.1).
Identifiers: ClinVar variation 2856212 (VCV002856212.4), dbSNP rs141428822, ClinGen allele CA5246614.